The following is an entry in ClinVar:

ClinVar aggregate classification (germline): Uncertain significance (1 of 4 stars; one submission).

Conditions:
Cohen syndrome (COH1). Also called: PEPPER SYNDROME; Cutis verticis gyrata, retinitis pigmentosa, and sensorineural deafness. Identifiers: Orphanet 193, MedGen C0265223, MONDO:0008999, OMIM 216550.

gnomAD v4.1: 1 of 1,612,806 alleles (0.000062%); highest among the groups gnomAD compares: Admixed American, 0.0017%; no homozygotes.

Submission:

Labcorp Genetics (formerly Invitae), Labcorp
Classification: Uncertain significance for Cohen syndrome. Last evaluated: 2023-09-27. Review status: criteria provided, single submitter. Criteria: Invitae Variant Classification Sherloc (09022015). Collection method: clinical testing. Allele origin: germline.
Comment: This variant has not been reported in the literature in individuals affected with VPS13B-related conditions. This sequence change replaces glutamine, which is neutral and polar, with proline, which is neutral and non-polar, at codon 3172 of the VPS13B protein (p.Gln3172Pro). This variant is not present in population databases (gnomAD no frequency). Advanced modeling of protein sequence and biophysical properties (such as structural, functional, and spatial information, amino acid conservation, physicochemical variation, residue mobility, and thermodynamic stability) performed at Invitae indicates that this missense variant is not expected to disrupt VPS13B protein function. In summary, the available evidence is currently insufficient to determine the role of this variant in disease. Therefore, it has been classified as a Variant of Uncertain Significance.

NM_152564.5(VPS13B):c.9440A>C (p.Gln3147Pro)

Gene: VPS13B (vacuolar protein sorting 13 homolog B; plus strand). Cytogenetic location: 8q22.2.
Variant type: single nucleotide variant.
Coding change: c.9440A>C on transcript NM_152564.5 (MANE Select); coding-DNA position 9440, A replaced by C.
Protein change: p.Gln3147Pro; replaces glutamine 3147 with proline.
Molecular consequence: missense variant.
Genome position (GRCh38, 1-based): chr8:99,832,478, A>C. VCF-style: chr8-99832478-A-C. GRCh37 (hg19) VCF-style: chr8-100844706-A-C.
Other names: c.9515A>C, p.Gln3172Pro (NM_017890.5); short protein forms Q3172P, Q3147P.
Identifiers: ClinVar variation 2763963 (VCV002763963.1), dbSNP rs1251314702, ClinGen allele CA371781469.
Genomic context (GRCh38, chr8:99,832,478, plus strand): 5'-AGCAGCCTGCTATGAAATCCAGCTCCCTTCCTTGCTGGGACTTGATGCCTGACATCAGTC[A>C]GTCAGTACTGGATGCATCCCTGCTTCAGAAACAGATCATGCTGGGCTTTTCTCCTGCCCC-3'
Protein context (NP_689777.3, residues 3137-3157): PCWDLMPDIS[Gln3147Pro]SVLDASLLQK